The following is an entry in ClinVar:

NM_001318876.2(POLR1C):c.945G>A (p.Ala315=)

Genes: POLR1C (RNA polymerase I and III subunit C; plus strand), XPO5 (exportin 5; minus strand). Cytogenetic location: 6p21.1.
Variant type: single nucleotide variant.
Coding change: c.945G>A on transcript NM_001318876.2; coding-DNA position 945, G replaced by A.
Protein change: p.Ala315=; no amino-acid change (alanine 315 retained).
Molecular consequence: synonymous variant. On other transcripts: intron variant (2).
Genome position (GRCh38, 1-based): chr6:43,529,271, G>A. VCF-style: chr6-43529271-G-A. GRCh37 (hg19) VCF-style: chr6-43497009-G-A.
Other names: c.922+8223G>A (NM_001363658.2); c.2678-346C>T (NM_020750.3).
Identifiers: ClinVar variation 4985435 (VCV004985435.1).
Genomic context (GRCh38, chr6:43,529,271, plus strand): 5'-TAACAAACTCTCCTTCACCATTCTCCTTATAATTTCAGGTAAGAAAGATTTGCTGGCTGC[G>A]GTGGCTCACACCTGTAATCCCAGCACTTTGGGAGGCCAAGGCGAGTGGATCACGGGGTCA-3'

ClinVar aggregate classification (germline): Likely benign (1 of 4 stars; one submission).

Conditions:
POLR1C-related disorder. Also called: POLR1C-related condition; POLR1C-related disorders. Identifiers: MedGen CN239394, MONDO:0700278.

gnomAD v4.1: 221 of 1,350,440 alleles (0.016%); highest among the groups gnomAD compares: Middle Eastern, 0.063%; no homozygotes.

Submission:

PreventionGenetics, part of Exact Sciences
Classification: Likely benign for POLR1C-related condition. Last evaluated: 2024-12-04. Review status: criteria provided, single submitter. Criteria: ACMG Guidelines, 2015. Collection method: clinical testing. Allele origin: germline.
Comment: This variant is classified as likely benign based on ACMG/AMP sequence variant interpretation guidelines (Richards et al. 2015 PMID: 25741868, with internal and published modifications).